The following is an entry in ClinVar:

ClinVar aggregate classification (germline): Uncertain significance (1 of 4 stars; one submission).

Conditions:
ALG12-congenital disorder of glycosylation (CDG1G). Also called: CDG Ig; ALG12-CDG; Congenital disorder of glycosylation, type Ig. Identifiers: Orphanet 79324, MedGen C2931001, MONDO:0011783, OMIM 607143.

Allele frequency attached by ClinVar (database versions not stated): gnomAD 0.00001; gnomAD exomes 0.00001.
gnomAD v4.1: 17 of 1,614,110 alleles (0.0011%); highest among the groups gnomAD compares: Non-Finnish European, 0.0012%; no homozygotes.

Submission:

Labcorp Genetics (formerly Invitae), Labcorp
Classification: Uncertain significance for ALG12-congenital disorder of glycosylation. Last evaluated: 2025-02-24. Review status: criteria provided, single submitter. Criteria: Invitae Variant Classification Sherloc (09022015). Collection method: clinical testing. Allele origin: germline.
Comment: This sequence change replaces glutamine, which is neutral and polar, with glutamic acid, which is acidic and polar, at codon 381 of the ALG12 protein (p.Gln381Glu). This variant is present in population databases (rs200913908, gnomAD 0.002%). This variant has not been reported in the literature in individuals affected with ALG12-related conditions. ClinVar contains an entry for this variant (Variation ID: 1941960). Invitae Evidence Modeling of protein sequence and biophysical properties (such as structural, functional, and spatial information, amino acid conservation, physicochemical variation, residue mobility, and thermodynamic stability) indicates that this missense variant is not expected to disrupt ALG12 protein function with a negative predictive value of 80%. In summary, the available evidence is currently insufficient to determine the role of this variant in disease. Therefore, it has been classified as a Variant of Uncertain Significance.

NM_024105.4(ALG12):c.1141C>G (p.Gln381Glu)

Gene: ALG12 (ALG12 alpha-1,6-mannosyltransferase; minus strand). Cytogenetic location: 22q13.33.
Variant type: single nucleotide variant.
Coding change: c.1141C>G on transcript NM_024105.4 (MANE Select); coding-DNA position 1141, C replaced by G.
Protein change: p.Gln381Glu; replaces glutamine 381 with glutamic acid.
Molecular consequence: missense variant.
Genome position (GRCh38, 1-based): chr22:49,904,358, G>C on the plus strand (C>G on the coding strand, the complement: ALG12 is on the minus strand). VCF-style: chr22-49904358-G-C. GRCh37 (hg19) VCF-style: chr22-50298006-G-C.
Other names: short protein forms Q381E.
Identifiers: ClinVar variation 1941960 (VCV001941960.5), dbSNP rs200913908, ClinGen allele CA325424734.
Genomic context (GRCh38, chr22:49,904,358, plus strand): 5'-GAGCCACAGCAGTCCCCAGGCAGTGCCCCCAGCACCCACCTGTCTGGGGGGGCACCAGCT[G>C]GTGCAGCCTCTGCATTGCGACGCCACCTGGGTAGTTGAAATGGGACACATACAGGGCCGT-3'
Protein context (NP_077010.1, residues 371-391): PGGVAMQRLH[Gln381Glu]LVPPQTDVLL